The following is an entry in ClinVar:

ClinVar aggregate classification (germline): Pathogenic (1 of 4 stars; one submission).

Submission:

Labcorp Genetics (formerly Invitae), Labcorp
Classification: Pathogenic. Last evaluated: 2023-03-14. Review status: criteria provided, single submitter. Criteria: Invitae Variant Classification Sherloc (09022015). Collection method: clinical testing. Allele origin: germline.
Comment: This variant has not been reported in the literature in individuals affected with DOCK6-related conditions. This variant is not present in population databases (gnomAD no frequency). This sequence change creates a premature translational stop signal (p.Ser352Lysfs*2) in the DOCK6 gene. It is expected to result in an absent or disrupted protein product. Loss-of-function variants in DOCK6 are known to be pathogenic (PMID: 21820096, 25824905). For these reasons, this variant has been classified as Pathogenic.

Literature cited by the submitters: PubMed 21820096; PubMed 25824905.

NM_020812.4(DOCK6):c.1054dup (p.Ser352fs)

Gene: DOCK6 (dedicator of cytokinesis 6; minus strand). Cytogenetic location: 19p13.2.
Variant type: Duplication.
Coding change: c.1054dup on transcript NM_020812.4 (MANE Select); coding-DNA position 1054, one base duplicated (A; older notation c.1054dupA).
Protein change: p.Ser352fs; shifts the reading frame from serine 352.
Molecular consequence: frameshift variant.
Genome position (GRCh38, 1-based): chr19:11,243,852, T duplicated on the plus strand (A on the coding strand, the reverse complement: DOCK6 is on the minus strand). VCF-style (leftmost placement, unchanged base first): chr19-11243851-C-CT. GRCh37 (hg19) VCF-style: chr19-11354527-C-CT.
Other names: c.1054dup, p.Ser352fs (NM_001367830.1); short protein forms S352fs.
Identifiers: ClinVar variation 2845857 (VCV002845857.3), dbSNP rs2513161109, ClinGen allele CA2739276458.
Genomic context (GRCh38, chr19:11,243,851, plus strand): 5'-CACACGCTTACCTTGGCTGTGTCCACTTCTTTCAACACCATGTAAGGCTCACAGCACTCA[C>CT]TGATGTCCCCTTGCTGAAGCACCTTCTCCAACTGCGGGGCAGATGAATGAATCCAGTGAG-3'